The following is an entry in ClinVar:

ClinVar aggregate classification (germline): Pathogenic. Review status: criteria provided, multiple submitters, no conflicts (2 of 4 stars). 2 submissions from 2 submitters: Pathogenic (2). Last evaluated 2025-07-17.

Conditions:
Stüve-Wiedemann syndrome 1. Also called: STUVE-WIEDEMANN/SCHWARTZ-JAMPEL TYPE 2 SYNDROME. Identifiers: Orphanet 3206, MedGen C5676888, MONDO:0800043, OMIM 601559.

Submissions (2):

Victorian Clinical Genetics Services, Murdoch Childrens Research Institute
Classification: Pathogenic for Stüve-Wiedemann syndrome 1. Last evaluated: 2025-07-17. Review status: criteria provided, single submitter. Criteria: ACMG Guidelines, 2015. Collection method: clinical testing. Allele origin: germline. Affected: no.
Comment: This variant is classified as Pathogenic. Evidence in support of pathogenic classification: Variant is predicted to cause nonsense-mediated decay (NMD) and loss of protein (premature termination codon is located at least 54 nucleotides upstream of the final exon-exon junction); Variant is absent from gnomAD (v2, v3 and v4); This variant has limited previous evidence of pathogenicity in an unrelated individual(s). This variant has been classified as pathogenic by a clinical laboratory in ClinVar, and reported in the literature in a heterozygous individual with CAKUT (PMID: 38025229), and in a homozygous individual with Stuve-Wiedemann syndrome/Schwartz-Jampel type 2 syndrome (PMID: 14740318); Other NMD-predicted variant(s) comparable to the one identified in this case have very strong previous evidence for pathogenicity (DECIPHER). Additional information: This variant is heterozygous; This gene is associated with both recessive and dominant disease. Biallelic pathogenic variants are associated with Stuve-Wiedemann syndrome/Schwartz-Jampel type 2 syndrome (MIM#601559), whilst monoallelic pathogenic variants are associated with CAKUT (MONDO:0019719), LIFR-related; No published functional evidence has been identified for this variant; Loss of function is a known mechanism of disease in this gene and is associated with Stuve-Wiedemann syndrome/Schwartz-Jampel type 2 syndrome (MIM#601559), and is the suggested mechanism for CAKUT (MONDO:0019719), LIFR-related (PMID: 32179912); Inheritance information for this variant is not currently available in this individual.

Revvity Omics, Revvity
Classification: Pathogenic for Stüve-Wiedemann syndrome 1. Last evaluated: 2022-03-06. Review status: criteria provided, single submitter. Criteria: ACMG Guidelines, 2015. Collection method: clinical testing. Allele origin: germline.

Literature cited by the submitters: PubMed 14740318 (cited by Victorian Clinical Genetics Services, Murdoch Childrens Research Institute); PubMed 32179912 (cited by Victorian Clinical Genetics Services, Murdoch Childrens Research Institute); PubMed 38025229 (cited by Victorian Clinical Genetics Services, Murdoch Childrens Research Institute).

NM_001127671.2(LIFR):c.2472_2476del (p.Ser824fs)

Gene: LIFR (LIF receptor subunit alpha; minus strand). Cytogenetic location: 5p13.1.
Variant type: Deletion.
Coding change: c.2472_2476del on transcript NM_001127671.2 (MANE Select); coding-DNA positions 2472 to 2476, 5 bases deleted (TATGT; older notation c.2472_2476delTATGT).
Protein change: p.Ser824fs; shifts the reading frame from serine 824.
Molecular consequence: frameshift variant.
Genome position (GRCh38, 1-based): chr5:38,485,840-38,485,844, ACATA deleted on the plus strand (TATGT on the coding strand, the reverse complement: LIFR is on the minus strand). VCF-style (leftmost placement, unchanged base first): chr5-38485839-TACATA-T. GRCh37 (hg19) VCF-style: chr5-38485941-TACATA-T.
Other names: c.2472_2476del, p.Ser824fs (NM_001364297.2, NM_001364298.2, NM_002310.6); short protein forms S824fs.
Identifiers: ClinVar variation 2437222 (VCV002437222.5), dbSNP rs2530954242, ClinGen allele CA1139532333.